The following is an entry in ClinVar:

NM_006885.4(ZFHX3):c.10166_10186del (p.Gln3389_Gln3395del)

Genes: ZFHX3 (zinc finger homeobox 3; minus strand), ZFHX3-AS1 (ZFHX3 antisense RNA 1; plus strand). Cytogenetic location: 16q22.2.
Variant type: Deletion.
Coding change: c.10166_10186del on transcript NM_006885.4 (MANE Select); coding-DNA positions 10166 to 10186, 21 bases deleted (AAAAAGTGCAGCAGCAGCAGC).
Protein change: p.Gln3389_Gln3395del.
Molecular consequence: inframe deletion.
Genome position (GRCh38, 1-based): chr16:72,788,090-72,788,110, GCTGCTGCTGCTGCACTTTTT deleted on the plus strand (AAAAAGTGCAGCAGCAGCAGC on the coding strand, the reverse complement: ZFHX3 is on the minus strand); deleting any 21 consecutive bases within chr16:72,788,090-72,788,124 gives the same sequence; the c. name uses the placement nearest the transcript's 3' end. VCF-style (leftmost placement, unchanged base first): chr16-72788089-GGCTGCTGCTGCTGCACTTTTT-G. GRCh37 (hg19) VCF-style: chr16-72821988-GGCTGCTGCTGCTGCACTTTTT-G.
Other names: c.7424_7444del, p.Gln2475_Gln2481del (NM_001164766.2); c.10166_10186del, p.Gln3389_Gln3395del (NM_001386735.1).
Identifiers: ClinVar variation 2646816 (VCV002646816.24), dbSNP rs770391018, ClinGen allele CA8162602.

ClinVar aggregate classification (germline): Likely benign (1 of 4 stars; one submission).

Submission:

CeGaT Center for Human Genetics Tuebingen
Classification: Likely benign. Last evaluated: 2025-10-01. Review status: criteria provided, single submitter. Criteria: CeGaT Center For Human Genetics Tuebingen Variant Classification Criteria Version 2. Collection method: clinical testing. Allele origin: germline. Affected: yes. Observed: 2 variant alleles.
Comment: ZFHX3: BS1